The following is an entry in ClinVar:

NM_005629.4(SLC6A8):c.1767+20C>T

Gene: SLC6A8 (solute carrier family 6 member 8; plus strand). Cytogenetic location: Xq28.
Variant type: single nucleotide variant.
Coding change: c.1767+20C>T on transcript NM_005629.4 (MANE Select); 20 bases into the intron after coding-DNA position 1767, C replaced by T.
Molecular consequence: intron variant.
Genome position (GRCh38, 1-based): chrX:153,694,909, C>T. VCF-style: chrX-153694909-C-T. GRCh37 (hg19) VCF-style: chrX-152960364-C-T.
Other names: c.1737+20C>T (NM_001142805.2); c.1422+20C>T (NM_001142806.1).
Identifiers: ClinVar variation 379402 (VCV000379402.8), dbSNP rs782612504, ClinGen allele CA10549642.

ClinVar aggregate classification (germline): Likely benign. Review status: criteria provided, multiple submitters, no conflicts (2 of 4 stars). 2 submissions from 2 submitters: Likely benign (2). Last evaluated 2025-12-28.

Conditions:
Creatine transporter deficiency (CCDS1). Also called: SLC6A8-Related Creatine Transporter Deficiency; CREATINE TRANSPORTER DEFECT; CEREBRAL CREATINE DEFICIENCY SYNDROME 1; Mental retardation , X-linked with seizures, short stature and midface hypoplasia; Mental retardation , X-linked, with creatine transport deficiency; X-linked creatine transporter deficiency. Identifiers: Orphanet 52503, MedGen C1845862, MONDO:0010305, OMIM 300352.

Allele frequency attached by ClinVar (database versions not stated): TOPMed 0.00006.

Submissions (2):

Labcorp Genetics (formerly Invitae), Labcorp
Classification: Likely benign for Creatine transporter deficiency. Last evaluated: 2025-12-28. Review status: criteria provided, single submitter. Criteria: Invitae Variant Classification Sherloc (09022015). Collection method: clinical testing. Allele origin: germline.

GeneDx
Classification: Likely benign. Last evaluated: 2016-03-01. Review status: criteria provided, single submitter. Criteria: GeneDx Variant Classification (06012015). Collection method: clinical testing. Allele origin: germline. Affected: yes.
Comment: This variant is considered likely benign or benign based on one or more of the following criteria: it is a conservative change, it occurs at a poorly conserved position in the protein, it is predicted to be benign by multiple in silico algorithms, and/or has population frequency not consistent with disease.